The following is an entry in ClinVar:

ClinVar aggregate classification (germline): Likely pathogenic (1 of 4 stars; one submission).

Conditions:
FOXP3-related disorder. Also called: FOXP3-related condition.

Submission:

PreventionGenetics, part of Exact Sciences
Classification: Likely pathogenic for FOXP3-related condition. Last evaluated: 2023-09-13. Review status: criteria provided, single submitter. Criteria: ACMG Guidelines, 2015. Collection method: clinical testing. Allele origin: germline.
Comment: The FOXP3 c.17delC variant is predicted to result in a frameshift and premature protein termination (p.Pro6Leufs*56). To our knowledge, this variant has not been reported in the literature or in a large population database, indicating this variant is rare. Frameshift variants in FOXP3 are expected to be pathogenic. This variant is interpreted as likely pathogenic.

NM_014009.4(FOXP3):c.17del (p.Pro6fs)

Gene: FOXP3 (forkhead box P3; minus strand). Cytogenetic location: Xp11.23.
Variant type: Deletion.
Coding change: c.17del on transcript NM_014009.4 (MANE Select); coding-DNA position 17, one base deleted (C; older notation c.17delC).
Protein change: p.Pro6fs; shifts the reading frame from proline 6.
Molecular consequence: frameshift variant.
Genome position (GRCh38, 1-based): chrX:49,258,489, G deleted on the plus strand (C on the coding strand, the reverse complement: FOXP3 is on the minus strand); the first of 2 consecutive G bases (chrX:49,258,489-49,258,490); deleting either gives the same sequence. VCF-style (leftmost placement, unchanged base first): chrX-49258488-AG-A. GRCh37 (hg19) VCF-style: chrX-49114945-AG-A.
Other names: c.17del, p.Pro6fs (NM_001114377.2); c.17delC (NM_014009.3); short protein forms P6fs.
Identifiers: ClinVar variation 2630692 (VCV002630692.1), dbSNP rs2519197052, ClinGen allele CA2695200202.